The following is an entry in ClinVar:

NM_000395.3(CSF2RB):c.1037A>T (p.Asn346Ile)

Gene: CSF2RB (colony stimulating factor 2 receptor subunit beta; plus strand). Cytogenetic location: 22q12.3.
Variant type: single nucleotide variant.
Coding change: c.1037A>T on transcript NM_000395.3 (MANE Select); coding-DNA position 1037, A replaced by T.
Protein change: p.Asn346Ile; replaces asparagine 346 with isoleucine.
Molecular consequence: missense variant.
Genome position (GRCh38, 1-based): chr22:36,932,789, A>T. VCF-style: chr22-36932789-A-T. GRCh37 (hg19) VCF-style: chr22-37328831-A-T.
Other names: c.1055A>T, p.Asn352Ile (NM_001410827.1); short protein forms N352I, N346I.
Identifiers: ClinVar variation 2783016 (VCV002783016.3), dbSNP rs373144953, ClinGen allele CA411408524.

ClinVar aggregate classification (germline): Uncertain significance (1 of 4 stars; one submission).

gnomAD v4.1: 2 of 1,613,958 alleles (0.00012%); highest among the groups gnomAD compares: African/African-American, 0.0027%; no homozygotes.

Submission:

Labcorp Genetics (formerly Invitae), Labcorp
Classification: Uncertain significance. Last evaluated: 2024-01-14. Review status: criteria provided, single submitter. Criteria: Invitae Variant Classification Sherloc (09022015). Collection method: clinical testing. Allele origin: germline.
Comment: This sequence change replaces asparagine, which is neutral and polar, with isoleucine, which is neutral and non-polar, at codon 346 of the CSF2RB protein (p.Asn346Ile). This variant is present in population databases (no rsID available, gnomAD 0.007%). This variant has not been reported in the literature in individuals affected with CSF2RB-related conditions. Advanced modeling of protein sequence and biophysical properties (such as structural, functional, and spatial information, amino acid conservation, physicochemical variation, residue mobility, and thermodynamic stability) performed at Invitae indicates that this missense variant is expected to disrupt CSF2RB protein function with a positive predictive value of 80%. In summary, the available evidence is currently insufficient to determine the role of this variant in disease. Therefore, it has been classified as a Variant of Uncertain Significance.